The following is an entry in ClinVar:

NM_012330.4(KAT6B):c.5041G>A (p.Glu1681Lys)

Gene: KAT6B (lysine acetyltransferase 6B; plus strand). Cytogenetic location: 10q22.2.
Variant type: single nucleotide variant.
Coding change: c.5041G>A on transcript NM_012330.4 (MANE Select); coding-DNA position 5041, G replaced by A.
Protein change: p.Glu1681Lys; replaces glutamic acid 1681 with lysine.
Molecular consequence: missense variant.
Genome position (GRCh38, 1-based): chr10:75,029,865, G>A. VCF-style: chr10-75029865-G-A. GRCh37 (hg19) VCF-style: chr10-76789623-G-A.
Other names: c.4492G>A, p.Glu1498Lys (NM_001256468.2, NM_001370138.1); c.4165G>A, p.Glu1389Lys (NM_001256469.2, NM_001370139.1, NM_001370140.1 and 2 more transcripts); c.4003G>A, p.Glu1335Lys (NM_001370132.1); c.3352G>A, p.Glu1118Lys (NM_001370133.1); c.2956G>A, p.Glu986Lys (NM_001370134.1); c.2698G>A, p.Glu900Lys (NM_001370135.1); c.5041G>A, p.Glu1681Lys (NM_001370136.1, NM_001370137.1); c.3976G>A, p.Glu1326Lys (NM_001370143.1, NM_001370144.1); short protein forms E1681K, E1389K, E1326K, E1498K, E900K, E986K, E1335K, E1118K.
Identifiers: ClinVar variation 561698 (VCV000561698.6), dbSNP rs1564632292, ClinGen allele CA377299783.

ClinVar aggregate classification (germline): Conflicting classifications of pathogenicity. Review status: criteria provided, conflicting classifications (1 of 4 stars). 3 submissions from 3 submitters: Pathogenic (1); Likely pathogenic (1); Uncertain significance (1). Last evaluated 2026-10-08.

Conditions:
Developmental disorder. Identifiers: MedGen C0008073.
KAT6B-related multiple congenital anomalies syndrome. Identifiers: Orphanet 597749, MedGen C5680266, MONDO:0036042.

Allele frequency attached by ClinVar (database versions not stated): TOPMed below 0.00001.

Submissions (3):

GeneDx
Classification: Pathogenic. Last evaluated: 2026-10-08. Review status: criteria provided, single submitter. Criteria: GeneDx Variant Classification Process June 2021. Collection method: clinical testing. Allele origin: germline.
Comment: Identified in the de novo state in individuals with developmental disorders; however, detailed clinical information was not provided (PMID: 28191890, 28135719); Not observed at significant frequency in large population cohorts (gnomAD); In silico analysis supports that this missense variant has a deleterious effect on protein structure/function; This variant is associated with the following publications: (PMID: 33057194, 35982159, 32424177, 28135719, 38958063, 28191890)

Clinical Genomics Laboratory, Washington University in St. Louis
Classification: Uncertain significance for KAT6B-related multiple congenital anomalies syndrome. Last evaluated: 2023-08-29. Review status: criteria provided, single submitter. Criteria: ACMG Guidelines, 2015. Collection method: clinical testing. Allele origin: germline.
Comment: The KAT6B c.5041G>A (p.Glu1681Lys) variant has been reported in the medical literature. It was observed in one patient reported to have KAT6B-related disorder (Zhang L et al., PMID: 32424177), and observed by the DECIPHER study in a de novo and mosaic state in an individual exhibiting neurodevelopmental phenotypes (but classified in the DECIPHER database as likely benign; Kosmicki J et al., PMID: 28191890). This variant is absent from the general population (gnomAD v.2.1.1), indicating it is not a common variant. Computational predictors are uncertain/conflicting as to the impact of this variant on KAT6B protein function. This variant has been submitted to ClinVar as likely pathogenic by one laboratory (variation ID: 561698). Due to limited information, and based on ACMG/AMP guidelines for variant interpretation (Richards S et al., PMID: 25741868), the clinical significance of this variant is uncertain at this time.

Department of Genetics, Rouen University Hospital, Normandy Center for Genomic and Personalized Medicine
Classification: Likely pathogenic for Developmental disorder. Last evaluated: 2023-03-16. Review status: criteria provided, single submitter. Criteria: ACMG Guidelines, 2015. Collection method: clinical testing. Allele origin: unknown. Affected: yes.